The following is an entry in ClinVar:

NM_004329.3(BMPR1A):c.1013C>T (p.Ala338Val)

Gene: BMPR1A (bone morphogenetic protein receptor type 1A; plus strand). Cytogenetic location: 10q23.2.
Variant type: single nucleotide variant.
Coding change: c.1013C>T on transcript NM_004329.3 (MANE Select); coding-DNA position 1013, C replaced by T.
Protein change: p.Ala338Val; replaces alanine 338 with valine.
Molecular consequence: missense variant.
Genome position (GRCh38, 1-based): chr10:86,919,316, C>T. VCF-style: chr10-86919316-C-T. GRCh37 (hg19) VCF-style: chr10-88679073-C-T.
Other names: short protein forms A338V.
Identifiers: ClinVar variation 1471414 (VCV001471414.6), dbSNP rs199476086, ClinGen allele CA377460566.

ClinVar aggregate classification (germline): Uncertain significance (1 of 4 stars; one submission).

Conditions:
Juvenile polyposis syndrome (JPS). Identifiers: Orphanet 2929, MedGen C0345893, MONDO:0017380, OMIM 174900.

Allele frequency attached by ClinVar (database versions not stated): TOPMed below 0.00001; gnomAD 0.00001.
gnomAD v4.1: 1 of 1,613,720 alleles (0.000062%); highest among the groups gnomAD compares: Non-Finnish European, 0.000085%; no homozygotes.

Submission:

Labcorp Genetics (formerly Invitae), Labcorp
Classification: Uncertain significance for Juvenile polyposis syndrome. Last evaluated: 2024-07-03. Review status: criteria provided, single submitter. Criteria: Invitae Variant Classification Sherloc (09022015). Collection method: clinical testing. Allele origin: germline.
Comment: This sequence change replaces alanine, which is neutral and non-polar, with valine, which is neutral and non-polar, at codon 338 of the BMPR1A protein (p.Ala338Val). This variant is not present in population databases (gnomAD no frequency). This variant has not been reported in the literature in individuals affected with BMPR1A-related conditions. ClinVar contains an entry for this variant (Variation ID: 1471414). Advanced modeling of protein sequence and biophysical properties (such as structural, functional, and spatial information, amino acid conservation, physicochemical variation, residue mobility, and thermodynamic stability) performed at Invitae indicates that this missense variant is not expected to disrupt BMPR1A protein function with a negative predictive value of 80%. In summary, the available evidence is currently insufficient to determine the role of this variant in disease. Therefore, it has been classified as a Variant of Uncertain Significance.